The following is an entry in ClinVar:

NM_006767.4(LZTR1):c.902G>C (p.Gly301Ala)

Gene: LZTR1 (leucine zipper like post translational regulator 1; plus strand). Cytogenetic location: 22q11.21.
Variant type: single nucleotide variant.
Coding change: c.902G>C on transcript NM_006767.4 (MANE Select); coding-DNA position 902, G replaced by C.
Protein change: p.Gly301Ala; replaces glycine 301 with alanine.
Molecular consequence: missense variant.
Genome position (GRCh38, 1-based): chr22:20,991,738, G>C. VCF-style: chr22-20991738-G-C. GRCh37 (hg19) VCF-style: chr22-21346027-G-C.
Other names: c.902G>C (NM_006767.3); short protein forms G301A.
Identifiers: ClinVar variation 1406758 (VCV001406758.7), dbSNP rs139823732, ClinGen allele CA410781385.

ClinVar aggregate classification (germline): Uncertain significance. Review status: criteria provided, multiple submitters, no conflicts (2 of 4 stars). 2 submissions from 2 submitters: Uncertain significance (2). Last evaluated 2023-11-03.

Conditions:
Hereditary cancer-predisposing syndrome. Also called: Hereditary neoplastic syndrome; Hereditary Cancer Syndrome; Neoplastic Syndromes, Hereditary; Tumor predisposition. Identifiers: Orphanet 140162, MedGen C0027672, MeSH D009386, MONDO:0015356.
Cardiovascular phenotype. Identifiers: MedGen CN230736.

Submissions (2):

Ambry Genetics
Classification: Uncertain significance for Cardiovascular phenotype; Hereditary cancer-predisposing syndrome. Last evaluated: 2023-11-03. Review status: criteria provided, single submitter. Criteria: Ambry Variant Classification Scheme 2023. Collection method: clinical testing. Allele origin: germline.
Comment: The p.G301A variant (also known as c.902G>C), located in coding exon 9 of the LZTR1 gene, results from a G to C substitution at nucleotide position 902. The glycine at codon 301 is replaced by alanine, an amino acid with similar properties. This amino acid position is conserved. In addition, this alteration is predicted to be deleterious by in silico analysis. Since supporting evidence is limited at this time, the clinical significance of this alteration remains unclear.

Labcorp Genetics (formerly Invitae), Labcorp
Classification: Uncertain significance. Last evaluated: 2021-12-23. Review status: criteria provided, single submitter. Criteria: Invitae Variant Classification Sherloc (09022015). Collection method: clinical testing. Allele origin: germline.
Comment: In summary, the available evidence is currently insufficient to determine the role of this variant in disease. Therefore, it has been classified as a Variant of Uncertain Significance. Algorithms developed to predict the effect of missense changes on protein structure and function are either unavailable or do not agree on the potential impact of this missense change (SIFT: "Tolerated"; PolyPhen-2: "Probably Damaging"; Align-GVGD: "Class C0"). This missense change has been observed in individual(s) with clinical features of LZTR1-related conditions (Invitae). It has also been observed to segregate with disease in related individuals. This variant is not present in population databases (gnomAD no frequency). This sequence change replaces glycine, which is neutral and non-polar, with alanine, which is neutral and non-polar, at codon 301 of the LZTR1 protein (p.Gly301Ala).